The following is an entry in ClinVar:

NM_014845.6(FIG4):c.1583+6T>G

Gene: FIG4 (FIG4 phosphoinositide 5-phosphatase; plus strand). Cytogenetic location: 6q21.
Variant type: single nucleotide variant.
Coding change: c.1583+6T>G on transcript NM_014845.6 (MANE Select); 6 bases into the intron after coding-DNA position 1583, T replaced by G.
Molecular consequence: intron variant.
Genome position (GRCh38, 1-based): chr6:109,765,167, T>G. VCF-style: chr6-109765167-T-G. GRCh37 (hg19) VCF-style: chr6-110086370-T-G.
Identifiers: ClinVar variation 1775744 (VCV001775744.2), dbSNP rs748379737, ClinGen allele CA3956123.

ClinVar aggregate classification (germline): Uncertain significance (1 of 4 stars; one submission).

Conditions:
Inborn genetic diseases. Identifiers: MedGen C0950123, MeSH D030342.

Allele frequency attached by ClinVar (database versions not stated): ExAC 0.00001; gnomAD 0.00001.
gnomAD v4.1: 2 of 1,613,654 alleles (0.00012%); highest among the groups gnomAD compares: Non-Finnish European, 0.00017%; no homozygotes.

Submission:

Ambry Genetics
Classification: Uncertain significance for Inborn genetic diseases. Last evaluated: 2021-03-20. Review status: criteria provided, single submitter. Criteria: Ambry Variant Classification Scheme 2023. Collection method: clinical testing. Allele origin: germline.
Comment: The c.1583+6T>G intronic variant results from a T to G substitution 6 nucleotides after coding exon 14 in the FIG4 gene. This nucleotide position is poorly conserved in available vertebrate species. In silico splice site analysis predicts that this alteration will not have any significant effect on splicing. Since supporting evidence is limited at this time, the clinical significance of this alteration remains unclear.